The following is an entry in ClinVar:

NM_020247.5(COQ8A):c.355T>C (p.Tyr119His)

Gene: COQ8A (coenzyme Q8A; plus strand). Cytogenetic location: 1q42.13.
Variant type: single nucleotide variant.
Coding change: c.355T>C on transcript NM_020247.5 (MANE Select); coding-DNA position 355, T replaced by C.
Protein change: p.Tyr119His; replaces tyrosine 119 with histidine.
Molecular consequence: missense variant.
Genome position (GRCh38, 1-based): chr1:226,965,177, T>C. VCF-style: chr1-226965177-T-C. GRCh37 (hg19) VCF-style: chr1-227152878-T-C.
Other names: short protein forms Y119H.
Identifiers: ClinVar variation 2194012 (VCV002194012.2), dbSNP rs1381984584, ClinGen allele CA345050184.

ClinVar aggregate classification (germline): Uncertain significance (1 of 4 stars; one submission).

Allele frequency attached by ClinVar (database versions not stated): gnomAD 0.00001; TOPMed 0.00001.
gnomAD v4.1: 1 of 1,613,602 alleles (0.000062%); highest among the groups gnomAD compares: Non-Finnish European, 0.000085%; no homozygotes.

Submission:

Labcorp Genetics (formerly Invitae), Labcorp
Classification: Uncertain significance. Last evaluated: 2022-11-22. Review status: criteria provided, single submitter. Criteria: Invitae Variant Classification Sherloc (09022015). Collection method: clinical testing. Allele origin: germline.
Comment: In summary, the available evidence is currently insufficient to determine the role of this variant in disease. Therefore, it has been classified as a Variant of Uncertain Significance. Advanced modeling of protein sequence and biophysical properties (such as structural, functional, and spatial information, amino acid conservation, physicochemical variation, residue mobility, and thermodynamic stability) has been performed at Invitae for this missense variant, however the output from this modeling did not meet the statistical confidence thresholds required to predict the impact of this variant on COQ8A protein function. This variant has not been reported in the literature in individuals affected with COQ8A-related conditions. This variant is not present in population databases (gnomAD no frequency). This sequence change replaces tyrosine, which is neutral and polar, with histidine, which is basic and polar, at codon 119 of the COQ8A protein (p.Tyr119His).